The following is an entry in ClinVar:

ClinVar aggregate classification (germline): Pathogenic (1 of 4 stars; one submission).

Submission:

GeneDx
Classification: Pathogenic. Last evaluated: 2026-05-31. Review status: criteria provided, single submitter. Criteria: GeneDx Variant Classification Process June 2021. Collection method: clinical testing. Allele origin: germline.
Comment: Frameshift variant predicted to result in protein truncation or nonsense mediated decay in a gene for which loss of function is a known mechanism of disease; Not observed at significant frequency in large population cohorts (gnomAD); Has not been previously published as pathogenic or benign to our knowledge

NM_003718.5(CDK13):c.518dup (p.Thr174fs)

Gene: CDK13 (cyclin dependent kinase 13; plus strand). Cytogenetic location: 7p14.1.
Variant type: Duplication.
Coding change: c.518dup on transcript NM_003718.5 (MANE Select); coding-DNA position 518, one base duplicated (G; older notation c.518dupG).
Protein change: p.Thr174fs; shifts the reading frame from threonine 174.
Molecular consequence: frameshift variant.
Genome position (GRCh38, 1-based): chr7:39,951,159, G duplicated; the last of 5 consecutive G bases (chr7:39,951,155-39,951,159); duplicating any one gives the same sequence. VCF-style (leftmost placement, unchanged base first): chr7-39951154-C-CG. GRCh37 (hg19) VCF-style: chr7-39990753-C-CG.
Other names: c.518dup, p.Thr174Asnfs (NM_031267.4); short protein forms T174fs.
Identifiers: ClinVar variation 4071670 (VCV004071670.2).